The following is an entry in ClinVar:

NM_139318.5(KCNH5):c.980G>A (p.Arg327His)

Gene: KCNH5 (potassium voltage-gated channel subfamily H member 5; minus strand). Cytogenetic location: 14q23.2.
Variant type: single nucleotide variant.
Coding change: c.980G>A on transcript NM_139318.5 (MANE Select); coding-DNA position 980, G replaced by A.
Protein change: p.Arg327His; replaces arginine 327 with histidine.
Molecular consequence: missense variant.
Genome position (GRCh38, 1-based): chr14:62,950,522, C>T on the plus strand (G>A on the coding strand, the complement: KCNH5 is on the minus strand). VCF-style: chr14-62950522-C-T. GRCh37 (hg19) VCF-style: chr14-63417240-C-T.
Other names: c.980G>A (NM_139318.3); c.980G>A, p.Arg327His (NM_172375.3); short protein forms R327H.
Identifiers: ClinVar variation 100784 (VCV000100784.24), dbSNP rs587777164, ClinGen allele CA228965.
Genomic context (GRCh38, chr14:62,950,522, plus strand): 5'-GCTGCTCCATATTCTAGGTAATGGTCCAGTTTCCTAGCCACACGGCCCAGTCGTAAGAGA[C>T]GCACCACTTTTAAAGAACTGAAGAGACTGCTGATTCCCTGGATTTAAAAAAAAAAAAAAA-3'
Protein context (NP_647479.2, residues 317-337): SSLFSSLKVV[Arg327His]LLRLGRVARK

ClinVar aggregate classification (germline): Pathogenic. Review status: criteria provided, multiple submitters, no conflicts (2 of 4 stars). 10 submissions from 10 submitters: Pathogenic (9). 1 of the submissions does not count toward it. Last evaluated 2026-01-26.

Conditions:
Early-infantile DEE. Also called: Ohtahara syndrome; Early infantile epileptic encephalopathy with suppression bursts; Early infantile epileptic encephalopathy. Identifiers: Orphanet 1934, MedGen C0393706, MONDO:0800491.
Inborn genetic diseases. Identifiers: MedGen C0950123, MeSH D030342.
Developmental and epileptic encephalopathy 112. Identifiers: MedGen C5882700, MONDO:0957812, OMIM 620537.
KCNH5-related disorders.

Submissions (10):

Labcorp Genetics (formerly Invitae), Labcorp
Classification: Pathogenic for Early-infantile DEE. Last evaluated: 2026-01-26. Review status: criteria provided, single submitter. Criteria: Invitae Variant Classification Sherloc (09022015). Collection method: clinical testing. Allele origin: germline.
Comment: This sequence change replaces arginine, which is basic and polar, with histidine, which is basic and polar, at codon 327 of the KCNH5 protein (p.Arg327His). This variant is not present in population databases (gnomAD no frequency). This missense change has been observed in individual(s) with epileptic encephalopathy and autistic features (PMID: 23647072). In at least one individual the variant was observed to be de novo. ClinVar contains an entry for this variant (Variation ID: 100784). Invitae Evidence Modeling of protein sequence and biophysical properties (such as structural, functional, and spatial information, amino acid conservation, physicochemical variation, residue mobility, and thermodynamic stability) indicates that this missense variant is expected to disrupt KCNH5 protein function with a positive predictive value of 95%. Experimental studies have shown that this missense change affects KCNH5 function (PMID: 24133262). For these reasons, this variant has been classified as Pathogenic.

Dasa
Classification: Pathogenic. Last evaluated: 2025-11-21. Review status: criteria provided, single submitter. Criteria: DASA Assertion Criteria. Collection method: clinical testing. Allele origin: germline.
Comment: NM_139318.5(KCNH5):c.980G>A (p.Arg327His) is a missense variant that results in the substitution of arginine with histidine. De novo occurrence has been reported in an individual with related phenotype. Functional evidence supports a deleterious effect on the gene or gene product (PMID: 24133262; PMID: 32725632; PMID: 35874597; PMID: 36307226; PMID: 23647072). This variant has been recurrently observed in individuals with related phenotype (PMID: 24133262; PMID: 32725632; PMID: 35874597; PMID: 36307226; PMID: 23647072). Multiple computational predictions support a deleterious effect on the gene or gene product. The variant is present at low frequency in population datasets. Based on the available data, this variant is classified as pathogenic.

3billion
Classification: Pathogenic for Developmental and epileptic encephalopathy 112. Last evaluated: 2025-07-21. Review status: criteria provided, single submitter. Criteria: ACMG Guidelines, 2015. Collection method: clinical testing. Allele origin: germline. Affected: yes.
Comment: The variant is not observed in the gnomAD v4.1.0 dataset. Predicted Consequence/Location: Missense variant. Missense changes are a common disease-causing mechanism. In silico tool predictions suggest damaging effect of the variant on gene or gene product [REVEL: 0.96 (>=0.6, sensitivity 0.68 and specificity 0.92); 3Cnet: 0.91 (> 0.75, sensitivity 0.96 and precision 0.92)]. The same nucleotide change resulting in the same amino acid change has been previously reported as pathogenic/likely pathogenic with strong evidence (ClinVar ID: VCV000100784). Different missense changes at the same codon (p.Arg327Cys, p.Arg327Ser) have been reported as pathogenic/likely pathogenic with strong evidence (ClinVar ID: VCV001488521, VCV002835906). Therefore, this variant is classified as Pathogenic according to the recommendation of ACMG/AMP guideline.

Laboratory of Genetics, Children's Clinical University Hospital Latvia
Classification: Pathogenic. Last evaluated: 2025-02-16. Review status: criteria provided, single submitter. Criteria: ACMG Guidelines, 2015. Collection method: clinical testing. Allele origin: germline. Affected: yes.

Victorian Clinical Genetics Services, Murdoch Childrens Research Institute
Classification: Pathogenic for Developmental and epileptic encephalopathy 112. Last evaluated: 2024-10-11. Review status: criteria provided, single submitter. Criteria: ACMG Guidelines, 2015. Collection method: clinical testing. Allele origin: germline. Inheritance: Autosomal dominant inheritance. Affected: yes.
Comment: Based on the classification scheme VCGS_Germline_v1.3.5, this variant is classified as Pathogenic. Following criteria are met: 0105 - The mechanism of disease for this gene is not clearly established. Gain of function is likely a mechanism of disease; patch clamp assays have demonstrated a recurring missense variant destabilises the closed channel state, instead favouring channel opening (PMID: 24133262). (I) 0107 - This gene is associated with autosomal dominant disease. (I) 0115 - Variants in this gene are known to have variable expressivity. Severity of the associated condition has been reported as highly variable and dependent on the variant location (PMID: 36307226). (I) 0200 - Variant is predicted to result in a missense amino acid change from arginine to histidine. (I) 0251 - This variant is heterozygous. (I) 0301 - Variant is absent from gnomAD (v2, v3 and v4). (SP) 0309 - An alternative amino acid change at the same position has been observed in gnomAD (v4; 2 heterozygotes, 0 homozygotes). (I) 0501 - Missense variant consistently predicted to be damaging by multiple in silico tools or highly conserved with a major amino acid change. (SP) 0600 - Variant is located in the annotated ion transport protein domain (DECIPHER). (I) 0801 - This variant has strong previous evidence of pathogenicity in unrelated individuals. This variant has been reported in over ten individuals including eight where the variant was shown to be de novo (ClinVar, PMID: 36307226). (SP) Legend: (SP) - Supporting pathogenic, (I) - Information, (SB) - Supporting benign

Institute of Human Genetics, University of Leipzig Medical Center
Classification: Pathogenic for Developmental and epileptic encephalopathy 112. Last evaluated: 2024-08-23. Review status: criteria provided, single submitter. Criteria: ACMG Guidelines, 2015. Collection method: clinical testing. Allele origin: unknown. Affected: yes.
Comment: Criteria applied: PS2_VSTR,PS4,PM2,PM5,PP3

Blueprint Genetics
Classification: Pathogenic for KCNH5-related disorders. Last evaluated: 2024-03-15. Review status: criteria provided, single submitter. Criteria: ACMG Guidelines, 2015. Collection method: clinical testing. Allele origin: germline. Affected: yes. Observed: 2 variant alleles.

Ambry Genetics
Classification: Pathogenic for Inborn genetic diseases. Last evaluated: 2023-03-14. Review status: criteria provided, single submitter. Criteria: Ambry Variant Classification Scheme 2023. Collection method: clinical testing. Allele origin: germline.
Comment: The c.980G>A (p.R327H) alteration is located in exon 7 (coding exon 7) of the KCNH5 gene. This alteration results from a G to A substitution at nucleotide position 980, causing the arginine (R) at amino acid position 327 to be replaced by a histidine (H). This variant was not reported in population-based cohorts in the Genome Aggregation Database (gnomAD). This variant has been reported in multiple individuals with features consistent with KCNH5-related neurodevelopmental disorder and was reported to be the result of a de novo mutation in several of these individuals (Veeramah, 2013; Truty, 2019; Minardi, 2020; Hu, 2022; Happ, 2023). This amino acid position is highly conserved in available vertebrate species. Structural modeling and voltage-clamp analysis demonstrated the critical role of the Arg327 residue in stabilizing the closed-state of the voltage-gated potassium channel Kv10.2 (Yang, 2013). This alteration is predicted to be deleterious by in silico analysis. Based on the available evidence, this alteration is classified as pathogenic.

GeneDx
Classification: Pathogenic. Last evaluated: 2022-08-19. Review status: criteria provided, single submitter. Criteria: GeneDx Variant Classification Process June 2021. Collection method: clinical testing. Allele origin: germline. Affected: yes.
Comment: Not observed at significant frequency in large population cohorts (gnomAD); In silico analysis supports that this missense variant has a deleterious effect on protein structure/function; This variant is associated with the following publications: (PMID: 24133262, 28007376, 32725632, Happ2022[pre-print], 23647072, 35874597)

OMIM
Classification: Pathogenic for DEVELOPMENTAL AND EPILEPTIC ENCEPHALOPATHY 112. Last evaluated: 2013-10-16. Review status: no assertion criteria provided. Collection method: literature only. Allele origin: germline. Not counted in ClinVar's aggregate classification.

Literature cited by the submitters: PubMed 23647072 (cited by 4 submitters); PubMed 24133262 (cited by 5 submitters); PubMed 32725632 (cited by 3 submitters); PubMed 35874597 (cited by 3 submitters); PubMed 36307226 (cited by 4 submitters); PubMed 31440721 (cited by Ambry Genetics).